The following is an entry in ClinVar:

ClinVar aggregate classification (germline): Uncertain significance. Review status: criteria provided, multiple submitters, no conflicts (2 of 4 stars). 2 submissions from 2 submitters: Uncertain significance (2). Last evaluated 2026-01-29.

Conditions:
Cardiovascular phenotype. Identifiers: MedGen CN230736.
Brugada syndrome 8 (BRGDA8). Identifiers: Orphanet 130, MedGen C2751083, MONDO:0013148, OMIM 613123.

gnomAD v4.1: 1 of 1,610,862 alleles (0.000062%); highest among the groups gnomAD compares: Non-Finnish European, 0.000085%; no homozygotes.

Submissions (2):

Ambry Genetics
Classification: Uncertain significance for Cardiovascular phenotype. Last evaluated: 2026-01-29. Review status: criteria provided, single submitter. Criteria: Ambry Variant Classification Scheme 2023. Collection method: clinical testing. Allele origin: germline.
Comment: The p.T1151S variant (also known as c.3452C>G), located in coding exon 8 of the HCN4 gene, results from a C to G substitution at nucleotide position 3452. The threonine at codon 1151 is replaced by serine, an amino acid with similar properties. This variant was detected in a cardiomyopathy/arrhythmia genetic testing cohort; however, clinical details were limited, and additional cardiac variants were detected in some cases (van Lint FHM et al. Neth Heart J, 2019 Jun;27:304-309). This amino acid position is highly conserved in available vertebrate species. In addition, the in silico prediction for this alteration is inconclusive. Based on the available evidence, the clinical significance of this variant remains unclear.

Labcorp Genetics (formerly Invitae), Labcorp
Classification: Uncertain significance for Brugada syndrome 8. Last evaluated: 2023-08-17. Review status: criteria provided, single submitter. Criteria: Invitae Variant Classification Sherloc (09022015). Collection method: clinical testing. Allele origin: germline.
Comment: Advanced modeling of protein sequence and biophysical properties (such as structural, functional, and spatial information, amino acid conservation, physicochemical variation, residue mobility, and thermodynamic stability) performed at Invitae indicates that this missense variant is not expected to disrupt HCN4 protein function. In summary, the available evidence is currently insufficient to determine the role of this variant in disease. Therefore, it has been classified as a Variant of Uncertain Significance. This variant has not been reported in the literature in individuals affected with HCN4-related conditions. This variant is not present in population databases (gnomAD no frequency). This sequence change replaces threonine, which is neutral and polar, with serine, which is neutral and polar, at codon 1151 of the HCN4 protein (p.Thr1151Ser).

Literature cited by the submitters: PubMed 30847666 (cited by Ambry Genetics).

NM_005477.3(HCN4):c.3452C>G (p.Thr1151Ser)

Gene: HCN4 (hyperpolarization activated cyclic nucleotide gated potassium channel 4; minus strand). Cytogenetic location: 15q24.1.
Variant type: single nucleotide variant.
Coding change: c.3452C>G on transcript NM_005477.3 (MANE Select); coding-DNA position 3452, C replaced by G.
Protein change: p.Thr1151Ser; replaces threonine 1151 with serine.
Molecular consequence: missense variant.
Genome position (GRCh38, 1-based): chr15:73,322,641, G>C on the plus strand (C>G on the coding strand, the complement: HCN4 is on the minus strand). VCF-style: chr15-73322641-G-C. GRCh37 (hg19) VCF-style: chr15-73614982-G-C.
Other names: c.3452C>G (NM_005477.2); short protein forms T1151S.
Identifiers: ClinVar variation 2915438 (VCV002915438.3), dbSNP rs2042867531, ClinGen allele CA393085260.